The following is an entry in ClinVar:

ClinVar aggregate classification (germline): Uncertain significance (1 of 4 stars; one submission).

Submission:

GeneDx
Classification: Uncertain significance. Last evaluated: 2026-03-05. Review status: criteria provided, single submitter. Criteria: GeneDx Variant Classification Process June 2021. Collection method: clinical testing. Allele origin: germline.
Comment: Not observed at significant frequency in large population cohorts (gnomAD); In silico analysis supports that this missense variant has a deleterious effect on protein structure/function and on splicing; In silico analysis supports a deleterious effect on splicing; Has not been previously published as pathogenic or benign to our knowledge

NM_002230.4(JUP):c.1159G>A (p.Glu387Lys)

Gene: JUP (junction plakoglobin; minus strand). Cytogenetic location: 17q21.2.
Variant type: single nucleotide variant.
Coding change: c.1159G>A on transcript NM_002230.4 (MANE Select); coding-DNA position 1159, G replaced by A.
Protein change: p.Glu387Lys; replaces glutamic acid 387 with lysine.
Molecular consequence: missense variant.
Genome position (GRCh38, 1-based): chr17:41,763,321, C>T on the plus strand (G>A on the coding strand, the complement: JUP is on the minus strand). VCF-style: chr17-41763321-C-T. GRCh37 (hg19) VCF-style: chr17-39919573-C-T.
Other names: c.1159G>A, p.Glu387Lys (NM_001352773.2, NM_001352774.2, NM_001352775.2 and 3 more transcripts); short protein forms E387K.
Identifiers: ClinVar variation 3906462 (VCV003906462.2).